The following is an entry in ClinVar:

ClinVar aggregate classification (germline): Uncertain significance. Review status: criteria provided, multiple submitters, no conflicts (2 of 4 stars). 2 submissions from 2 submitters: Uncertain significance (2). Last evaluated 2024-03-06.

Conditions:
Arrhythmogenic right ventricular dysplasia 8 (ARVD8). Also called: Arrhythmogenic Right Ventricular Dysplasia/Cardiomyopathy 8; ARRHYTHMOGENIC RIGHT VENTRICULAR DYSPLASIA, FAMILIAL, 8; ARRHYTHMOGENIC RIGHT VENTRICULAR CARDIOMYOPATHY 8. Identifiers: MedGen C1843896, MONDO:0011831, OMIM 607450.
Arrhythmogenic cardiomyopathy with wooly hair and keratoderma. Also called: PALMOPLANTAR KERATODERMA WITH LEFT VENTRICULAR CARDIOMYOPATHY AND WOOLLY HAIR; Carvajal syndrome; Dilated cardiomyopathy with woolly hair and keratoderma; Arrhythmogenic cardiomyopathy with woolly hair and keratoderma. Identifiers: Orphanet 65282, MedGen C1854063, MONDO:0011581, OMIM 605676.
Cardiomyopathy (CMYO). Also called: Cardiomyopathies. Identifiers: Orphanet 167848, MedGen C0878544, MONDO:0004994, HP:0001638. Inheritance: Various modes of inheritance.

Allele frequency attached by ClinVar (database versions not stated): gnomAD exomes 0.00001; ExAC 0.00002.
gnomAD v4.1: 7 of 1,613,996 alleles (0.00043%); highest among the groups gnomAD compares: South Asian, 0.0066%; no homozygotes.

Submissions (2):

Color Diagnostics, LLC DBA Color Health
Classification: Uncertain significance for Cardiomyopathy. Last evaluated: 2024-03-06. Review status: criteria provided, single submitter. Criteria: ACMG Guidelines, 2015. Collection method: clinical testing. Allele origin: germline.
Comment: This missense variant replaces threonine with serine at codon 1381 of the DSP protein. Computational prediction suggests that this variant may not impact protein structure and function (internally defined REVEL score threshold <= 0.5, PMID: 27666373). Splice site prediction tools suggest that this variant may not impact RNA splicing. To our knowledge, functional studies have not been performed for this variant. This variant has not been reported in individuals affected with cardiovascular disorders in the literature. This variant has been identified in 3/251198 chromosomes in the general population by the Genome Aggregation Database (gnomAD). The available evidence is insufficient to determine the role of this variant in disease conclusively. Therefore, this variant is classified as a Variant of Uncertain Significance.

Labcorp Genetics (formerly Invitae), Labcorp
Classification: Uncertain significance for Arrhythmogenic cardiomyopathy with wooly hair and keratoderma; Arrhythmogenic right ventricular dysplasia 8. Last evaluated: 2020-02-03. Review status: criteria provided, single submitter. Criteria: Invitae Variant Classification Sherloc (09022015). Collection method: clinical testing. Allele origin: germline.
Comment: In summary, the available evidence is currently insufficient to determine the role of this variant in disease. Therefore, it has been classified as a Variant of Uncertain Significance. Algorithms developed to predict the effect of missense changes on protein structure and function are either unavailable or do not agree on the potential impact of this missense change (SIFT: "Deleterious"; PolyPhen-2: "Benign"; Align-GVGD: "Class C0"). This variant has not been reported in the literature in individuals with DSP-related conditions. This variant is present in population databases (rs767174407, ExAC 0.01%). This sequence change replaces threonine with serine at codon 1381 of the DSP protein (p.Thr1381Ser). The threonine residue is highly conserved and there is a small physicochemical difference between threonine and serine.

NM_004415.4(DSP):c.4142C>G (p.Thr1381Ser)

Gene: DSP (desmoplakin; plus strand). Cytogenetic location: 6p24.3.
Variant type: single nucleotide variant.
Coding change: c.4142C>G on transcript NM_004415.4 (MANE Select); coding-DNA position 4142, C replaced by G.
Protein change: p.Thr1381Ser; replaces threonine 1381 with serine.
Molecular consequence: missense variant. On other transcripts: intron variant (2).
Genome position (GRCh38, 1-based): chr6:7,580,332, C>G. VCF-style: chr6-7580332-C-G. GRCh37 (hg19) VCF-style: chr6-7580565-C-G.
Other names: c.4050+92C>G (NM_001319034.2); c.3582+560C>G (NM_001008844.3); short protein forms T1381S.
Identifiers: ClinVar variation 926484 (VCV000926484.13), dbSNP rs767174407, ClinGen allele CA040263.
Genomic context (GRCh38, chr6:7,580,332, plus strand): 5'-GCTTAAAAAATCAGTTTGAGACCGAGATCAACATCACCAAGACCACCATCCACCAGCTCA[C>G]CATGCAGAAGGAAGAGGATACCAGTGGCTACCGGGCTCAGATAGACAATCTCACCCGAGA-3'
Protein context (NP_004406.2, residues 1371-1391): NITKTTIHQL[Thr1381Ser]MQKEEDTSGY